The following is an entry in ClinVar:

ClinVar aggregate classification (germline): Conflicting classifications of pathogenicity. Review status: criteria provided, conflicting classifications (1 of 4 stars). 6 submissions from 5 submitters: Uncertain significance (4); Likely benign (2). Last evaluated 2025-10-25.

Conditions:
Cardiovascular phenotype. Identifiers: MedGen CN230736.
Hereditary cancer-predisposing syndrome. Also called: Hereditary neoplastic syndrome; Neoplastic Syndromes, Hereditary; Tumor predisposition; Hereditary Cancer Syndrome. Identifiers: Orphanet 140162, MedGen C0027672, MeSH D009386, MONDO:0015356.
Juvenile myelomonocytic leukemia (JMML). Also called: LEUKEMIA, JUVENILE MYELOMONOCYTIC, SOMATIC. Identifiers: Orphanet 86834, MedGen C0349639, MONDO:0011908, OMIM 607785, HP:0012209.
Neurofibromatosis-Noonan syndrome (NFNS). Also called: NEUROFIBROMATOSIS WITH NOONAN PHENOTYPE. Identifiers: Orphanet 638, MedGen C2931482, MONDO:0011035, OMIM 601321. Disease mechanism: loss of function.
Neurofibromatosis, familial spinal (FSNF). Identifiers: Orphanet 636, MedGen C1834235, MONDO:0008078, OMIM 162210. Disease mechanism: loss of function.
Neurofibromatosis, type 1 (NF1). Also called: VON RECKLINGHAUSEN DISEASE; Peripheral type neurofibromatosis; NEUROFIBROMATOSIS, TYPE I, SOMATIC; Neurofibromatosis, type I. Identifiers: Orphanet 636, MedGen C0027831, MONDO:0018975, OMIM 162200. Disease mechanism: loss of function.
Café-au-lait macules with pulmonary stenosis (WTSN). Also called: PULMONIC STENOSIS WITH CAFE-AU-LAIT SPOTS. Identifiers: MedGen C0553586, MONDO:0008672, OMIM 193520.

Allele frequency attached by ClinVar (database versions not stated): ExAC 0.00001; gnomAD 0.00001; gnomAD exomes 0.00001 and 0.00002; TOPMed 0.00001.
gnomAD v4.1: 12 of 1,613,426 alleles (0.00074%); highest among the groups gnomAD compares: Admixed American, 0.012%; no homozygotes.

Submissions (6):

Labcorp Genetics (formerly Invitae), Labcorp
Classification: Likely benign for Neurofibromatosis, type 1. Last evaluated: 2025-10-25. Review status: criteria provided, single submitter. Criteria: Invitae Variant Classification Sherloc (09022015). Collection method: clinical testing. Allele origin: germline.

GeneDx
Classification: Uncertain significance. Last evaluated: 2023-03-08. Review status: criteria provided, single submitter. Criteria: GeneDx Variant Classification Process June 2021. Collection method: clinical testing. Allele origin: germline. Affected: yes.
Comment: In silico analysis supports that this missense variant has a deleterious effect on protein structure/function; Observed de novo in an individual undergoing whole exome sequencing due to an orofacial cleft; however, further clinical details were not provided (Bishop et al., 2020); Not observed in any cases, but was observed in unaffected controls from a breast cancer study (Dorling et al., 2021); This variant is associated with the following publications: (PMID: 30089490, 32372504, 25486365, 32574564, 33471991)

Genome-Nilou Lab
Classification: Uncertain significance for Neurofibromatosis, type 1. Last evaluated: 2022-03-15. Review status: criteria provided, single submitter. Criteria: ACMG Guidelines, 2015. Collection method: clinical testing. Allele origin: germline. Affected: no.

Fulgent Genetics
Classification: Uncertain significance for Neurofibromatosis, type 1; Neurofibromatosis, familial spinal; Café-au-lait macules with pulmonary stenosis; Neurofibromatosis-Noonan syndrome; Juvenile myelomonocytic leukemia. Last evaluated: 2021-12-14. Review status: criteria provided, single submitter. Criteria: ACMG Guidelines, 2015. Collection method: clinical testing. Allele origin: unknown.

Ambry Genetics
Classification: Likely benign for Cardiovascular phenotype; Hereditary cancer-predisposing syndrome. Last evaluated: 2021-06-22. Review status: criteria provided, single submitter. Criteria: Ambry Variant Classification Scheme 2023. Collection method: clinical testing. Allele origin: germline.

Ambry Genetics
Classification: Uncertain significance for Hereditary cancer-predisposing syndrome. Last evaluated: 2016-03-10. Review status: criteria provided, single submitter. Criteria: Ambry Autosomal Dominant and X-Linked criteria (10/2015). Collection method: clinical testing. Allele origin: germline. Observed: 1 variant allele.
Comment: The p.P2717L variant (also known as c.8150C>T), located in coding exon 56 of the NF1 gene, results from a C to T substitution at nucleotide position 8150. The proline at codon 2717 is replaced by leucine, an amino acid with similar properties. This variant was not reported in population based cohorts in the following databases: Database of Single Nucleotide Polymorphisms (dbSNP), NHLBI Exome Sequencing Project (ESP), and 1000 Genomes Project. In the ESP, this variant was not observed in 6503 samples (13006 alleles) with coverage at this position.To date, this alteration has been detected with an allele frequency of approximately 0.001% (greater than 110000alleles tested) in our clinical cohort. This amino acid position is highly conserved in available vertebrate species. In addition, the in silico prediction for this alteration is inconclusive.Since supporting evidence is limited at this time, the clinical significance of this alterationremains unclear.

NM_001042492.3(NF1):c.8150C>T (p.Pro2717Leu)

Gene: NF1 (neurofibromin 1; plus strand). Cytogenetic location: 17q11.2.
Variant type: single nucleotide variant.
Coding change: c.8150C>T on transcript NM_001042492.3 (MANE Select); coding-DNA position 8150, C replaced by T.
Protein change: p.Pro2717Leu; replaces proline 2717 with leucine.
Molecular consequence: missense variant.
Genome position (GRCh38, 1-based): chr17:31,359,005, C>T. VCF-style: chr17-31359005-C-T. GRCh37 (hg19) VCF-style: chr17-29686023-C-T.
Other names: c.8087C>T, p.Pro2696Leu (NM_000267.4); short protein forms P2696L, P2717L.
Identifiers: ClinVar variation 480106 (VCV000480106.18), dbSNP rs778799019, ClinGen allele CA8487759.